The following is an entry in ClinVar:

ClinVar aggregate classification (germline): Uncertain significance (1 of 4 stars; one submission).

Conditions:
Cardiovascular phenotype. Identifiers: MedGen CN230736.

gnomAD v4.1: 1 of 1,549,024 alleles (0.000065%); highest among the groups gnomAD compares: Non-Finnish European, 0.000087%; no homozygotes.

Submission:

Ambry Genetics
Classification: Uncertain significance for Cardiovascular phenotype. Last evaluated: 2024-05-05. Review status: criteria provided, single submitter. Criteria: Ambry Variant Classification Scheme 2023. Collection method: clinical testing. Allele origin: germline.
Comment: The p.S839R variant (also known as c.2517C>G), located in coding exon 17 of the TRPM4 gene, results from a C to G substitution at nucleotide position 2517. The serine at codon 839 is replaced by arginine, an amino acid with dissimilar properties. This amino acid position is conserved. In addition, this alteration is predicted to be tolerated by in silico analysis. Based on the available evidence, the clinical significance of this variant remains unclear.

NM_017636.4(TRPM4):c.2517C>G (p.Ser839Arg)

Gene: TRPM4 (transient receptor potential cation channel subfamily M member 4; plus strand). Cytogenetic location: 19q13.33.
Variant type: single nucleotide variant.
Coding change: c.2517C>G on transcript NM_017636.4 (MANE Select); coding-DNA position 2517, C replaced by G.
Protein change: p.Ser839Arg; replaces serine 839 with arginine.
Molecular consequence: missense variant. On other transcripts: intron variant (1).
Genome position (GRCh38, 1-based): chr19:49,196,746, C>G. VCF-style: chr19-49196746-C-G. GRCh37 (hg19) VCF-style: chr19-49700003-C-G.
Other names: c.2172C>G, p.Ser724Arg (NM_001321281.2); c.909C>G, p.Ser303Arg (NM_001321282.2); c.1995C>G, p.Ser665Arg (NM_001321283.2); c.1455C>G, p.Ser485Arg (NM_001321285.2); c.2211-3554C>G (NM_001195227.2); short protein forms S839R, S724R, S303R, S485R, S665R.
Identifiers: ClinVar variation 3329243 (VCV003329243.1).